The following is an entry in ClinVar:

NM_133510.4(RAD51B):c.197C>T (p.Thr66Met)

Gene: RAD51B (RAD51 paralog B; plus strand). Cytogenetic location: 14q24.1.
Variant type: single nucleotide variant.
Coding change: c.197C>T on transcript NM_133510.4 (MANE Select); coding-DNA position 197, C replaced by T.
Protein change: p.Thr66Met; replaces threonine 66 with methionine.
Molecular consequence: missense variant. On other transcripts: 5 prime UTR variant (1).
Genome position (GRCh38, 1-based): chr14:67,825,576, C>T. VCF-style: chr14-67825576-C-T. GRCh37 (hg19) VCF-style: chr14-68292293-C-T.
Other names: c.197C>T, p.Thr66Met (NM_001321809.2, NM_001321810.2, NM_001321812.1 and 6 more transcripts); c.83C>T, p.Thr28Met (NM_001321815.1); c.-259C>T (NM_001321817.2); short protein forms T66M, T28M.
Identifiers: ClinVar variation 3429618 (VCV003429618.1).

ClinVar aggregate classification (germline): Uncertain significance (1 of 4 stars; one submission).

gnomAD v4.1: 85 of 1,579,500 alleles (0.0054%); highest among the groups gnomAD compares: Non-Finnish European, 0.0066%; no homozygotes.

Submission:

Ambry Genetics
Classification: Uncertain significance. Last evaluated: 2024-12-04. Review status: criteria provided, single submitter. Criteria: Ambry Variant Classification Scheme 2023. Collection method: clinical testing. Allele origin: germline.
Comment: The p.T66M variant (also known as c.197C>T), located in coding exon 2 of the RAD51B gene, results from a C to T substitution at nucleotide position 197. The threonine at codon 66 is replaced by methionine, an amino acid with similar properties. This amino acid position is highly conserved in available vertebrate species. In addition, the in silico prediction for this alteration is inconclusive. The evidence for this gene-disease relationship is limited; therefore, the clinical significance of this alteration is unclear.